The following is an entry in ClinVar:

ClinVar aggregate classification (germline): Benign/Likely benign. Review status: criteria provided, multiple submitters, no conflicts (2 of 4 stars). 3 submissions from 3 submitters: Benign (1); Likely benign (2). Last evaluated 2025-12-22.

Conditions:
Hereditary cancer-predisposing syndrome. Also called: Neoplastic Syndromes, Hereditary; Hereditary neoplastic syndrome; Tumor predisposition; Hereditary Cancer Syndrome. Identifiers: Orphanet 140162, MedGen C0027672, MeSH D009386, MONDO:0015356.
Juvenile polyposis syndrome (JPS). Identifiers: Orphanet 2929, MedGen C0345893, MONDO:0017380, OMIM 174900.

Allele frequency attached by ClinVar (database versions not stated): gnomAD exomes below 0.00001; ExAC 0.00001.
gnomAD v4.1: 2 of 1,612,970 alleles (0.00012%); highest among the groups gnomAD compares: Non-Finnish European, 0.000085%; no homozygotes.

Submissions (3):

Labcorp Genetics (formerly Invitae), Labcorp
Classification: Likely benign for Juvenile polyposis syndrome. Last evaluated: 2025-12-22. Review status: criteria provided, single submitter. Criteria: Invitae Variant Classification Sherloc (09022015). Collection method: clinical testing. Allele origin: germline.

Myriad Genetics, Inc.
Classification: Benign for Juvenile polyposis syndrome. Last evaluated: 2024-07-31. Review status: criteria provided, single submitter. Criteria: Myriad Autosomal Dominant, Autosomal Recessive and X-Linked Classification Criteria (2023). Collection method: clinical testing. Allele origin: unknown.
Comment: This variant is considered benign. This variant is a silent/synonymous amino acid change and it is not expected to impact splicing.

Ambry Genetics
Classification: Likely benign for Hereditary cancer-predisposing syndrome. Last evaluated: 2021-08-30. Review status: criteria provided, single submitter. Criteria: Ambry Variant Classification Scheme 2023. Collection method: clinical testing. Allele origin: germline.

NM_004329.3(BMPR1A):c.246C>T (p.Cys82=)

Gene: BMPR1A (bone morphogenetic protein receptor type 1A; plus strand). Cytogenetic location: 10q23.2.
Variant type: single nucleotide variant.
Coding change: c.246C>T on transcript NM_004329.3 (MANE Select); coding-DNA position 246, C replaced by T.
Protein change: p.Cys82=; no amino-acid change (cysteine 82 retained).
Molecular consequence: synonymous variant.
Genome position (GRCh38, 1-based): chr10:86,892,142, C>T. VCF-style: chr10-86892142-C-T. GRCh37 (hg19) VCF-style: chr10-88651899-C-T.
Identifiers: ClinVar variation 1077203 (VCV001077203.12), dbSNP rs759647230, ClinGen allele CA5585464.